The following is an entry in ClinVar:

ClinVar aggregate classification (germline): Uncertain significance (1 of 4 stars; one submission).

Conditions:
Autoimmune lymphoproliferative syndrome type 2B. Also called: AUTOIMMUNE LYMPHOPROLIFERATIVE SYNDROME, TYPE IIB. Identifiers: Orphanet 275517, MedGen C1846545, MONDO:0011804, OMIM 607271.

Allele frequency attached by ClinVar (database versions not stated): gnomAD exomes below 0.00001.
gnomAD v4.1: 2 of 1,613,698 alleles (0.00012%); highest among the groups gnomAD compares: Middle Eastern, 0.017%; no homozygotes.

Submission:

Labcorp Genetics (formerly Invitae), Labcorp
Classification: Uncertain significance for Autoimmune lymphoproliferative syndrome type 2B. Last evaluated: 2021-12-19. Review status: criteria provided, single submitter. Criteria: Invitae Variant Classification Sherloc (09022015). Collection method: clinical testing. Allele origin: germline.
Comment: Algorithms developed to predict the effect of missense changes on protein structure and function are either unavailable or do not agree on the potential impact of this missense change (SIFT: "Deleterious"; PolyPhen-2: "Possibly Damaging"; Align-GVGD: "Class C0"). In summary, the available evidence is currently insufficient to determine the role of this variant in disease. Therefore, it has been classified as a Variant of Uncertain Significance. This variant has not been reported in the literature in individuals affected with CASP8-related conditions. This variant is not present in population databases (gnomAD no frequency). This sequence change replaces alanine, which is neutral and non-polar, with glutamic acid, which is acidic and polar, at codon 113 of the CASP8 protein (p.Ala113Glu).

NM_001372051.1(CASP8):c.306-1974C>A

Gene: CASP8 (caspase 8; plus strand). Cytogenetic location: 2q33.1.
Variant type: single nucleotide variant.
Coding change: c.306-1974C>A on transcript NM_001372051.1 (MANE Select); 1974 bases into the intron before coding-DNA position 306, C replaced by A.
Molecular consequence: intron variant. On other transcripts: missense variant (1).
Genome position (GRCh38, 1-based): chr2:201,269,542, C>A. VCF-style: chr2-201269542-C-A. GRCh37 (hg19) VCF-style: chr2-202134265-C-A.
Other names: c.338C>A, p.Ala113Glu (NM_001228.5); c.306-1974C>A (NM_001400651.1, NM_001400663.1, NM_001400657.1 and 20 more transcripts); c.-227-1974C>A (NM_001400677.1, NM_001400678.1, NM_001400750.1 and 6 more transcripts); c.-4-1974C>A (NM_001400669.1); c.-306-1974C>A (NM_001400680.1); c.483-1974C>A (NM_001080125.2, NM_001400642.1, NM_001400665.1); c.-408-1974C>A (NM_001400674.1); short protein forms A113E.
Identifiers: ClinVar variation 1932241 (VCV001932241.3), dbSNP rs1198139044, ClinGen allele CA350283937.